The following is an entry in ClinVar:

ClinVar aggregate classification (germline): Conflicting classifications of pathogenicity. Review status: criteria provided, conflicting classifications (1 of 4 stars). 11 submissions from 11 submitters: Uncertain significance (3); Likely benign (6). 2 of the submissions do not count toward it. Last evaluated 2026-08-01.

Conditions:
ETFA-related disorder. Also called: ETFA-related condition.
Multiple acyl-CoA dehydrogenase deficiency (MADD). Also called: Glutaric acidemia type II; GA 2; ETHYLMALONIC-ADIPICACIDURIA; GA II; Glutaric aciduria, type 2; Glutaric Acidemia type 2. Identifiers: Orphanet 26791, MedGen C0268596, MONDO:0009282, OMIM 231680.

Allele frequency attached by ClinVar (database versions not stated): 1000 Genomes Project 0.00020; 1000 Genomes Project 30x 0.00031; ESP Exome Variant Server 0.00085; gnomAD 0.00096; gnomAD exomes 0.00113 and 0.00128; ExAC 0.00118; TOPMed 0.00118.
gnomAD v4.1: 1,819 of 1,597,636 alleles (0.11%); highest among the groups gnomAD compares: Middle Eastern, 1.4%; 5 homozygotes.

Submissions (11):

CeGaT Center for Human Genetics Tuebingen
Classification: Likely benign. Last evaluated: 2026-08-01. Review status: criteria provided, single submitter. Criteria: CeGaT Center For Human Genetics Tuebingen Variant Classification Criteria Version 2. Collection method: clinical testing. Allele origin: germline. Affected: yes. Observed: 3 variant alleles.
Comment: ETFA: PP3, BS2

Labcorp Genetics (formerly Invitae), Labcorp
Classification: Likely benign for Multiple acyl-CoA dehydrogenase deficiency. Last evaluated: 2026-02-02. Review status: criteria provided, single submitter. Criteria: Invitae Variant Classification Sherloc (09022015). Collection method: clinical testing. Allele origin: germline.

Blueprint Genetics
Classification: Likely benign. Last evaluated: 2024-11-26. Review status: criteria provided, single submitter. Criteria: ACMG Guidelines, 2015. Collection method: clinical testing. Allele origin: germline.

Mayo Clinic Laboratories, Mayo Clinic
Classification: Likely benign. Last evaluated: 2024-11-01. Review status: criteria provided, single submitter. Criteria: ACMG Guidelines, 2015. Collection method: clinical testing. Allele origin: germline. Observed: 7 variant alleles.
Comment: BS1

ARUP Laboratories, Molecular Genetics and Genomics, ARUP Laboratories
Classification: Likely benign for Multiple acyl-CoA dehydrogenase deficiency. Last evaluated: 2024-01-24. Review status: criteria provided, single submitter. Criteria: ARUP Molecular Germline Variant Investigation Process 2024. Collection method: clinical testing. Allele origin: germline.

Genome-Nilou Lab
Classification: Uncertain significance for Multiple acyl-CoA dehydrogenase deficiency. Last evaluated: 2021-05-18. Review status: criteria provided, single submitter. Criteria: ACMG Guidelines, 2015. Collection method: clinical testing. Allele origin: germline. Affected: no.

GeneDx
Classification: Likely benign. Last evaluated: 2020-08-31. Review status: criteria provided, single submitter. Criteria: GeneDx Variant Classification Process June 2021. Collection method: clinical testing. Allele origin: germline. Affected: yes.

Illumina Laboratory Services, Illumina
Classification: Uncertain significance for Multiple acyl-CoA dehydrogenase deficiency. Last evaluated: 2018-01-13. Review status: criteria provided, single submitter. Criteria: ICSL Variant Classification Criteria 13 December 2019. Collection method: clinical testing. Allele origin: germline.

Kariminejad - Najmabadi Pathology & Genetics Center
Classification: Uncertain significance for Multiple acyl-CoA dehydrogenase deficiency. Last evaluated: 2016-05-11. Review status: criteria provided, single submitter. Criteria: ACMG Guidelines, 2015. Collection method: clinical testing. Allele origin: germline. Inheritance: Autosomal recessive inheritance. Affected: yes.
Comment: PM2

Natera, Inc.
Classification: Likely benign for Glutaric aciduria type 2. Last evaluated: 2020-04-23. Review status: no assertion criteria provided. Collection method: clinical testing. Allele origin: germline. Not counted in ClinVar's aggregate classification.

PreventionGenetics, part of Exact Sciences
Classification: Likely benign for ETFA-related condition. Last evaluated: 2019-06-25. Review status: no assertion criteria provided. Collection method: clinical testing. Allele origin: germline. Not counted in ClinVar's aggregate classification.
Comment: This variant is classified as likely benign based on ACMG/AMP sequence variant interpretation guidelines (Richards et al. 2015 PMID: 25741868, with internal and published modifications).

NM_000126.4(ETFA):c.826A>C (p.Ile276Leu)

Gene: ETFA (electron transfer flavoprotein subunit alpha; minus strand). Cytogenetic location: 15q24.2.
Variant type: single nucleotide variant.
Coding change: c.826A>C on transcript NM_000126.4 (MANE Select); coding-DNA position 826, A replaced by C.
Protein change: p.Ile276Leu; replaces isoleucine 276 with leucine.
Molecular consequence: missense variant.
Genome position (GRCh38, 1-based): chr15:76,231,389, T>G on the plus strand (A>C on the coding strand, the complement: ETFA is on the minus strand). VCF-style: chr15-76231389-T-G. GRCh37 (hg19) VCF-style: chr15-76523730-T-G.
Other names: p.I276L:ATT>CTT; p.Ile276Leu; c.679A>C, p.Ile227Leu (NM_001127716.2); short protein forms I276L, I227L.
Identifiers: ClinVar variation 203692 (VCV000203692.29), dbSNP rs141200145, ClinGen allele CA312487.